The following is an entry in ClinVar:

ClinVar aggregate classification (germline): Uncertain significance (1 of 4 stars; one submission).

Submission:

Women's Health and Genetics/Laboratory Corporation of America, LabCorp
Classification: Uncertain significance. Last evaluated: 2026-04-30. Review status: criteria provided, single submitter. Criteria: LabCorp Variant Classification Summary - May 2015. Collection method: clinical testing. Allele origin: germline.
Comment: Variant summary: SHH c.850G>A (p.Glu284Lys) results in a conservative amino acid change in the encoded protein sequence. Algorithms developed to predict the effect of missense changes on protein structure and function are either unavailable or do not agree on the potential impact of this missense change. The variant allele was found at a frequency of 1.5e-05 in 134398 control chromosomes. The available data on variant occurrences in the general population are insufficient to allow any conclusion about variant significance. To our knowledge, no occurrence of c.850G>A in individuals affected with SHH-related conditions and no experimental evidence demonstrating its impact on protein function have been reported. No submitters have cited clinical-significance assessments for this variant to ClinVar. Based on the evidence outlined above, the variant was classified as uncertain significance.

NM_000193.4(SHH):c.850G>A (p.Glu284Lys)

Gene: SHH (sonic hedgehog signaling molecule; minus strand). Cytogenetic location: 7q36.3.
Variant type: single nucleotide variant.
Coding change: c.850G>A on transcript NM_000193.4 (MANE Select); coding-DNA position 850, G replaced by A.
Protein change: p.Glu284Lys; replaces glutamic acid 284 with lysine.
Molecular consequence: missense variant. On other transcripts: intron variant (1).
Genome position (GRCh38, 1-based): chr7:155,803,439, C>T on the plus strand (G>A on the coding strand, the complement: SHH is on the minus strand). VCF-style: chr7-155803439-C-T. GRCh37 (hg19) VCF-style: chr7-155596133-C-T.
Other names: c.301+2857G>A (NM_001310462.2); short protein forms E284K.
Identifiers: ClinVar variation 4849004 (VCV004849004.1).